The following is an entry in ClinVar:

NM_020533.3(MCOLN1):c.1246G>A (p.Ala416Thr)

Gene: MCOLN1 (mucolipin TRP cation channel 1; plus strand). Cytogenetic location: 19p13.2.
Variant type: single nucleotide variant.
Coding change: c.1246G>A on transcript NM_020533.3 (MANE Select); coding-DNA position 1246, G replaced by A.
Protein change: p.Ala416Thr; replaces alanine 416 with threonine.
Molecular consequence: missense variant.
Genome position (GRCh38, 1-based): chr19:7,529,599, G>A. VCF-style: chr19-7529599-G-A. GRCh37 (hg19) VCF-style: chr19-7594485-G-A.
Other names: short protein forms A416T.
Identifiers: ClinVar variation 3730555 (VCV003730555.2).

ClinVar aggregate classification (germline): Uncertain significance (1 of 4 stars; one submission).

Conditions:
Mucolipidosis type IV (ML4). Also called: ML IV. Identifiers: Orphanet 578, MedGen C0238286, MONDO:0009653, OMIM 252650.

gnomAD v4.1: 9 of 1,587,560 alleles (0.00057%); highest among the groups gnomAD compares: Non-Finnish European, 0.00069%; no homozygotes.

Submission:

Labcorp Genetics (formerly Invitae), Labcorp
Classification: Uncertain significance for Mucolipidosis type IV. Last evaluated: 2024-10-05. Review status: criteria provided, single submitter. Criteria: Invitae Variant Classification Sherloc (09022015). Collection method: clinical testing. Allele origin: germline.
Comment: This sequence change replaces alanine, which is neutral and non-polar, with threonine, which is neutral and polar, at codon 416 of the MCOLN1 protein (p.Ala416Thr). This variant is present in population databases (no rsID available, gnomAD 0.007%). This variant has not been reported in the literature in individuals affected with MCOLN1-related conditions. Invitae Evidence Modeling of protein sequence and biophysical properties (such as structural, functional, and spatial information, amino acid conservation, physicochemical variation, residue mobility, and thermodynamic stability) indicates that this missense variant is not expected to disrupt MCOLN1 protein function with a negative predictive value of 95%. In summary, the available evidence is currently insufficient to determine the role of this variant in disease. Therefore, it has been classified as a Variant of Uncertain Significance.